The following is an entry in ClinVar:

ClinVar aggregate classification (germline): Uncertain significance (1 of 4 stars; one submission).

Submission:

Labcorp Genetics (formerly Invitae), Labcorp
Classification: Uncertain significance. Last evaluated: 2019-08-02. Review status: criteria provided, single submitter. Criteria: Invitae Variant Classification Sherloc (09022015). Collection method: clinical testing. Allele origin: germline.
Comment: In summary, the available evidence is currently insufficient to determine the role of this variant in disease. Therefore, it has been classified as a Variant of Uncertain Significance. Algorithms developed to predict the effect of missense changes on protein structure and function (SIFT, PolyPhen-2, Align-GVGD) all suggest that this variant is likely to be tolerated, but these predictions have not been confirmed by published functional studies and their clinical significance is uncertain. This variant has not been reported in the literature in individuals with MSH3-related conditions. This variant is not present in population databases (ExAC no frequency). This sequence change replaces lysine with glutamic acid at codon 122 of the MSH3 protein (p.Lys122Glu). The lysine residue is moderately conserved and there is a small physicochemical difference between lysine and glutamic acid.

NM_002439.5(MSH3):c.364A>G (p.Lys122Glu)

Gene: MSH3 (mutS homolog 3; plus strand). Cytogenetic location: 5q14.1.
Variant type: single nucleotide variant.
Coding change: c.364A>G on transcript NM_002439.5 (MANE Select); coding-DNA position 364, A replaced by G.
Protein change: p.Lys122Glu; replaces lysine 122 with glutamic acid.
Molecular consequence: missense variant.
Genome position (GRCh38, 1-based): chr5:80,665,148, A>G. VCF-style: chr5-80665148-A-G. GRCh37 (hg19) VCF-style: chr5-79960967-A-G.
Other names: short protein forms K122E.
Identifiers: ClinVar variation 840890 (VCV000840890.9), dbSNP rs1749540121, ClinGen allele CA360262923.